The following is an entry in ClinVar:

ClinVar aggregate classification (germline): Uncertain significance (1 of 4 stars; one submission).

Conditions:
Familial thoracic aortic aneurysm and aortic dissection (TAAD). Also called: Thoracic aortic aneurysms and dissections. Identifiers: Orphanet 91387, MedGen C4707243, MONDO:0019625.

Allele frequency attached by ClinVar (database versions not stated): gnomAD exomes 0.00001.
gnomAD v4.1: 3 of 1,614,160 alleles (0.00019%); highest among the groups gnomAD compares: East Asian, 0.0022%; no homozygotes.

Submission:

All of Us Research Program, National Institutes of Health
Classification: Uncertain significance for Familial thoracic aortic aneurysm and aortic dissection. Last evaluated: 2023-08-15. Review status: criteria provided, single submitter. Criteria: ACMG Guidelines, 2015. Collection method: clinical testing. Allele origin: germline. Inheritance: Autosomal dominant inheritance. Observed: 1 variant allele, 1 heterozygote.
Comment: This study involves interpretation of variants in research participants for the purpose of population health screening. Participant phenotype was not available at the time of variant classification. Additional details can be found in publication PMID: 35346344, PMCID: PMC8962531

NM_002474.3(MYH11):c.4870G>A (p.Gly1624Arg)

Genes: MYH11 (myosin heavy chain 11; minus strand), NDE1 (nudE neurodevelopment protein 1; plus strand). Cytogenetic location: 16p13.11.
Variant type: single nucleotide variant.
Coding change: c.4870G>A on transcript NM_002474.3 (MANE Select); coding-DNA position 4870, G replaced by A.
Protein change: p.Gly1624Arg; replaces glycine 1624 with arginine.
Molecular consequence: missense variant. On other transcripts: intron variant (2).
Genome position (GRCh38, 1-based): chr16:15,720,234, C>T on the plus strand (G>A on the coding strand, the complement: MYH11 is on the minus strand). VCF-style: chr16-15720234-C-T. GRCh37 (hg19) VCF-style: chr16-15814091-C-T.
Other names: c.4891G>A, p.Gly1631Arg (NM_001040113.2, NM_001040114.2); c.4870G>A, p.Gly1624Arg (NM_022844.3); c.948-3957C>T (NM_001143979.2, NM_017668.3); short protein forms G1624R, G1631R.
Identifiers: ClinVar variation 3072831 (VCV003072831.1), dbSNP rs530535158, ClinGen allele CA278598328.
Genomic context (GRCh38, chr16:15,720,234, plus strand): 5'-TGGCTTCCTCCCTCCCCTTGATGGCAGAGTCGGCCTGAAGCTCCAGGTCTTTCAGGTCCC[C>T]TTCCAGCTTCTTCTTTGCTGCAGCTGCCAGGGCACGTTGCTTTCGCTCGTCTTCCAGTTC-3'
Protein context (NP_002465.1, residues 1614-1634): LAAAAKKKLE[Gly1624Arg]DLKDLELQAD